The following is an entry in ClinVar:

ClinVar aggregate classification (germline): Uncertain significance. Review status: criteria provided, multiple submitters, no conflicts (2 of 4 stars). 2 submissions from 2 submitters: Uncertain significance (2). Last evaluated 2025-05-17.

Conditions:
Inborn genetic diseases. Identifiers: MedGen C0950123, MeSH D030342.

Submissions (2):

Ambry Genetics
Classification: Uncertain significance for Inborn genetic diseases. Last evaluated: 2025-05-17. Review status: criteria provided, single submitter. Criteria: Ambry Variant Classification Scheme 2023. Collection method: clinical testing. Allele origin: germline.
Comment: The p.L927S variant (also known as c.2780T>C), located in coding exon 1 of the SAMD9L gene, results from a T to C substitution at nucleotide position 2780. The leucine at codon 927 is replaced by serine, an amino acid with dissimilar properties. This amino acid position is conserved. In addition, the in silico prediction for this alteration is inconclusive. Based on the available evidence, the clinical significance of this variant remains unclear.

Labcorp Genetics (formerly Invitae), Labcorp
Classification: Uncertain significance. Last evaluated: 2024-04-11. Review status: criteria provided, single submitter. Criteria: Invitae Variant Classification Sherloc (09022015). Collection method: clinical testing. Allele origin: germline.
Comment: This sequence change replaces leucine, which is neutral and non-polar, with serine, which is neutral and polar, at codon 927 of the SAMD9L protein (p.Leu927Ser). This variant is not present in population databases (gnomAD no frequency). This variant has not been reported in the literature in individuals affected with SAMD9L-related conditions. Advanced modeling of protein sequence and biophysical properties (such as structural, functional, and spatial information, amino acid conservation, physicochemical variation, residue mobility, and thermodynamic stability) performed at Invitae indicates that this missense variant is expected to disrupt SAMD9L protein function with a positive predictive value of 80%. In summary, the available evidence is currently insufficient to determine the role of this variant in disease. Therefore, it has been classified as a Variant of Uncertain Significance.

NM_152703.5(SAMD9L):c.2780T>C (p.Leu927Ser)

Gene: SAMD9L (sterile alpha motif domain containing 9 like; minus strand). Cytogenetic location: 7q21.2.
Variant type: single nucleotide variant.
Coding change: c.2780T>C on transcript NM_152703.5 (MANE Select); coding-DNA position 2780, T replaced by C.
Protein change: p.Leu927Ser; replaces leucine 927 with serine.
Molecular consequence: missense variant.
Genome position (GRCh38, 1-based): chr7:93,133,192, A>G on the plus strand (T>C on the coding strand, the complement: SAMD9L is on the minus strand). VCF-style: chr7-93133192-A-G. GRCh37 (hg19) VCF-style: chr7-92762505-A-G.
Other names: c.2780T>C (NM_152703.2); c.2780T>C, p.Leu927Ser (NM_001303496.3, NM_001303497.3, NM_001303498.3 and 5 more transcripts); short protein forms L927S.
Identifiers: ClinVar variation 3630099 (VCV003630099.3).